The following is an entry in ClinVar:

NM_000350.3(ABCA4):c.5395A>G (p.Asn1799Asp)

Gene: ABCA4 (ATP binding cassette subfamily A member 4; minus strand). Cytogenetic location: 1p22.1.
Variant type: single nucleotide variant.
Coding change: c.5395A>G on transcript NM_000350.3 (MANE Select); coding-DNA position 5395, A replaced by G.
Protein change: p.Asn1799Asp; replaces asparagine 1799 with aspartic acid.
Molecular consequence: missense variant.
Genome position (GRCh38, 1-based): chr1:94,014,608, T>C on the plus strand (A>G on the coding strand, the complement: ABCA4 is on the minus strand). VCF-style: chr1-94014608-T-C. GRCh37 (hg19) VCF-style: chr1-94480164-T-C.
Other names: c.5173A>G, p.Asn1725Asp (NM_001425324.1); short protein forms N1799D, N1725D.
Identifiers: ClinVar variation 99372 (VCV000099372.6), dbSNP rs61750574, ClinGen allele CA227305.

ClinVar aggregate classification (germline): Pathogenic. Review status: criteria provided, multiple submitters, no conflicts (2 of 4 stars). 3 submissions from 3 submitters: Pathogenic (2). 1 of the submissions does not count toward it. Last evaluated 2023-10-13.

Conditions:
ABCA4-related disorder. Also called: ABCA4-related disorders; ABCA4-related condition. Identifiers: MedGen CN239167.

Allele frequency attached by ClinVar (database versions not stated): gnomAD exomes below 0.00001.
gnomAD v4.1: 3 of 1,614,184 alleles (0.00019%); highest among the groups gnomAD compares: Non-Finnish European, 0.00025%; no homozygotes.

Submissions (3):

Labcorp Genetics (formerly Invitae), Labcorp
Classification: Pathogenic. Last evaluated: 2023-10-13. Review status: criteria provided, single submitter. Criteria: Invitae Variant Classification Sherloc (09022015). Collection method: clinical testing. Allele origin: germline.
Comment: This sequence change replaces asparagine, which is neutral and polar, with aspartic acid, which is acidic and polar, at codon 1799 of the ABCA4 protein (p.Asn1799Asp). This variant is not present in population databases (gnomAD no frequency). This missense change has been observed in individual(s) with Stargardt disease (PMID: 29925512, 32619608). ClinVar contains an entry for this variant (Variation ID: 99372). Advanced modeling of protein sequence and biophysical properties (such as structural, functional, and spatial information, amino acid conservation, physicochemical variation, residue mobility, and thermodynamic stability) performed at Invitae indicates that this missense variant is expected to disrupt ABCA4 protein function. For these reasons, this variant has been classified as Pathogenic.

Blueprint Genetics
Classification: Pathogenic for ABCA4-related disorders. Last evaluated: 2018-02-10. Review status: criteria provided, single submitter. Criteria: ACMG Guidelines, 2015. Collection method: clinical testing. Allele origin: germline. Affected: yes. Observed: 2 variant alleles.

Retina International
No classification provided. Review status: no classification provided. Collection method: not provided. Allele origin: not provided. Not counted in ClinVar's aggregate classification.

Literature cited by the submitters: PubMed 29925512 (cited by Labcorp Genetics (formerly Invitae), Labcorp); PubMed 32619608 (cited by Labcorp Genetics (formerly Invitae), Labcorp).